The following is an entry in ClinVar:

ClinVar aggregate classification (germline): Benign (1 of 4 stars; one submission).

Allele frequency attached by ClinVar (database versions not stated): ExAC 0.00001; gnomAD exomes 0.00002; ESP Exome Variant Server 0.00008; gnomAD 0.00011 and 0.00014; TOPMed 0.00013.

Submission:

GeneDx
Classification: Benign. Last evaluated: 2014-08-27. Review status: criteria provided, single submitter. Criteria: GeneDx Variant Classification (06012015). Collection method: clinical testing. Allele origin: germline. Affected: yes.
Comment: This variant is considered likely benign or benign based on one or more of the following criteria: it is a conservative change, it occurs at a poorly conserved position in the protein, it is predicted to be benign by multiple in silico algorithms, and/or has population frequency not consistent with disease.

NM_005506.4(SCARB2):c.-23C>G

Gene: SCARB2 (scavenger receptor class B member 2; minus strand). Cytogenetic location: 4q21.1.
Variant type: single nucleotide variant.
Coding change: c.-23C>G on transcript NM_005506.4 (MANE Select); 23 bases upstream of the start codon, C replaced by G.
Molecular consequence: 5 prime UTR variant.
Genome position (GRCh38, 1-based): chr4:76,213,566, G>C on the plus strand (C>G on the coding strand, the complement: SCARB2 is on the minus strand). VCF-style: chr4-76213566-G-C. GRCh37 (hg19) VCF-style: chr4-77134719-G-C.
Other names: c.-23C>G (NM_001204255.2).
Identifiers: ClinVar variation 206706 (VCV000206706.1), dbSNP rs377635707, ClinGen allele CA317060.
Genomic context (GRCh38, chr4:76,213,566, plus strand): 5'-GACAACGTCCCCGCCGTGTAGAAGCAGCATCGGCCCATTCTGTGCGCCGCTCACGGGCCG[G>C]GCCGGGCCGCACCCGCCAGGGATCCAACTGCAAGGAGGGAGGAGCCGCCGCAGAGGCGTC-3'